The following is an entry in ClinVar:

NM_024753.5(TTC21B):c.755A>G (p.Gln252Arg)

Gene: TTC21B (tetratricopeptide repeat domain 21B; minus strand). Cytogenetic location: 2q24.3.
Variant type: single nucleotide variant.
Coding change: c.755A>G on transcript NM_024753.5 (MANE Select); coding-DNA position 755, A replaced by G.
Protein change: p.Gln252Arg; replaces glutamine 252 with arginine.
Molecular consequence: missense variant.
Genome position (GRCh38, 1-based): chr2:165,933,013, T>C on the plus strand (A>G on the coding strand, the complement: TTC21B is on the minus strand). VCF-style: chr2-165933013-T-C. GRCh37 (hg19) VCF-style: chr2-166789523-T-C.
Other names: short protein forms Q252R.
Identifiers: ClinVar variation 2052935 (VCV002052935.4), dbSNP rs2468219399, ClinGen allele CA349049139.
Genomic context (GRCh38, chr2:165,933,013, plus strand): 5'-AATAATACAATGCCACTTACCTTCTCTATATCCCCCTCTCTACACACATAGTAGAGTGCC[T>C]GCATTCTCAGTGCTTCCACATTTTGGCTATCTTGGAGCAGCAACCTGCAGGAAAACAATT-3'
Protein context (NP_079029.3, residues 242-262): DSQNVEALRM[Gln252Arg]ALYYVCREGD

ClinVar aggregate classification (germline): Uncertain significance (1 of 4 stars; one submission).

Conditions:
Jeune thoracic dystrophy. Also called: Jeune syndrome; Infantile thoracic dystrophy; Thoracic pelvic phalangeal dystrophy; Jeune's syndrome; Chondroectodermal dysplasia-like syndrome; Short-rib thoracic dysplasia. Identifiers: Orphanet 474, MedGen C0265275, MONDO:0018770.
Nephronophthisis. Also called: Juvenile Nephronophthisis. Identifiers: Orphanet 655, MedGen C0687120, MONDO:0019005, HP:0000090.

Submission:

Labcorp Genetics (formerly Invitae), Labcorp
Classification: Uncertain significance for Jeune thoracic dystrophy; Nephronophthisis. Last evaluated: 2021-12-22. Review status: criteria provided, single submitter. Criteria: Invitae Variant Classification Sherloc (09022015). Collection method: clinical testing. Allele origin: germline.
Comment: This sequence change replaces glutamine, which is neutral and polar, with arginine, which is basic and polar, at codon 252 of the TTC21B protein (p.Gln252Arg). This variant is not present in population databases (gnomAD no frequency). This variant has not been reported in the literature in individuals affected with TTC21B-related conditions. Algorithms developed to predict the effect of missense changes on protein structure and function (SIFT, PolyPhen-2, Align-GVGD) all suggest that this variant is likely to be tolerated. In summary, the available evidence is currently insufficient to determine the role of this variant in disease. Therefore, it has been classified as a Variant of Uncertain Significance.